The following is an entry in ClinVar:

ClinVar aggregate classification (germline): Uncertain significance (1 of 4 stars; one submission).

Allele frequency attached by ClinVar (database versions not stated): TOPMed 0.00001; gnomAD 0.00002; gnomAD exomes 0.00002 and 0.00004; ExAC 0.00004.

Submission:

Labcorp Genetics (formerly Invitae), Labcorp
Classification: Uncertain significance. Last evaluated: 2021-09-17. Review status: criteria provided, single submitter. Criteria: Invitae Variant Classification Sherloc (09022015). Collection method: clinical testing. Allele origin: germline.
Comment: This sequence change replaces valine with methionine at codon 1180 of the MCM3AP protein (p.Val1180Met). The valine residue is moderately conserved and there is a small physicochemical difference between valine and methionine. This variant is present in population databases (rs758759834, ExAC 0.01%). This variant has not been reported in the literature in individuals with MCM3AP-related conditions. Algorithms developed to predict the effect of missense changes on protein structure and function output the following: SIFT: "Deleterious"; PolyPhen-2: "Benign"; Align-GVGD: "Class C0". The methionine amino acid residue is found in multiple mammalian species, suggesting that this missense change does not adversely affect protein function. These predictions have not been confirmed by published functional studies and their clinical significance is uncertain. In summary, the available evidence is currently insufficient to determine the role of this variant in disease. Therefore, it has been classified as a Variant of Uncertain Significance.

NM_003906.5(MCM3AP):c.3538G>A (p.Val1180Met)

Gene: MCM3AP (minichromosome maintenance complex component 3 associated protein; minus strand). Cytogenetic location: 21q22.3.
Variant type: single nucleotide variant.
Coding change: c.3538G>A on transcript NM_003906.5 (MANE Select); coding-DNA position 3538, G replaced by A.
Protein change: p.Val1180Met; replaces valine 1180 with methionine.
Molecular consequence: missense variant.
Genome position (GRCh38, 1-based): chr21:46,260,836, C>T on the plus strand (G>A on the coding strand, the complement: MCM3AP is on the minus strand). VCF-style: chr21-46260836-C-T. GRCh37 (hg19) VCF-style: chr21-47680750-C-T.
Other names: short protein forms V1180M.
Identifiers: ClinVar variation 1519898 (VCV001519898.5), dbSNP rs758759834, ClinGen allele CA10076465.